The following is an entry in ClinVar:

NM_006265.3(RAD21):c.1273G>A (p.Val425Ile)

Gene: RAD21 (RAD21 cohesin complex component; minus strand). Cytogenetic location: 8q24.11.
Variant type: single nucleotide variant.
Coding change: c.1273G>A on transcript NM_006265.3 (MANE Select); coding-DNA position 1273, G replaced by A.
Protein change: p.Val425Ile; replaces valine 425 with isoleucine.
Molecular consequence: missense variant.
Genome position (GRCh38, 1-based): chr8:116,852,597, C>T on the plus strand (G>A on the coding strand, the complement: RAD21 is on the minus strand). VCF-style: chr8-116852597-C-T. GRCh37 (hg19) VCF-style: chr8-117864836-C-T.
Other names: short protein forms V425I.
Identifiers: ClinVar variation 2847137 (VCV002847137.3), dbSNP rs781747488, ClinGen allele CA4852868.

ClinVar aggregate classification (germline): Uncertain significance (1 of 4 stars; one submission).

Conditions:
Cornelia de Lange syndrome 4 (CDLS4). Also called: RAD21-Related Cornelia de Lange Syndrome; CORNELIA DE LANGE SYNDROME 4 WITH OR WITHOUT MIDLINE BRAIN DEFECTS. Identifiers: Orphanet 199, MedGen C3553517, MONDO:0013864, OMIM 614701.

Allele frequency attached by ClinVar (database versions not stated): ExAC 0.00001; gnomAD exomes 0.00001.
gnomAD v4.1: 12 of 1,613,442 alleles (0.00074%); highest among the groups gnomAD compares: Admixed American, 0.0017%; no homozygotes.

Submission:

Labcorp Genetics (formerly Invitae), Labcorp
Classification: Uncertain significance for Cornelia de Lange syndrome 4. Last evaluated: 2023-05-31. Review status: criteria provided, single submitter. Criteria: Invitae Variant Classification Sherloc (09022015). Collection method: clinical testing. Allele origin: germline.
Comment: Advanced modeling of protein sequence and biophysical properties (such as structural, functional, and spatial information, amino acid conservation, physicochemical variation, residue mobility, and thermodynamic stability) performed at Invitae indicates that this missense variant is not expected to disrupt RAD21 protein function. In summary, the available evidence is currently insufficient to determine the role of this variant in disease. Therefore, it has been classified as a Variant of Uncertain Significance. This variant has not been reported in the literature in individuals affected with RAD21-related conditions. This variant is present in population databases (rs781747488, gnomAD 0.003%). This sequence change replaces valine, which is neutral and non-polar, with isoleucine, which is neutral and non-polar, at codon 425 of the RAD21 protein (p.Val425Ile).